The following is an entry in ClinVar:

ClinVar aggregate classification (germline): Uncertain significance (1 of 4 stars; one submission).

Allele frequency attached by ClinVar (database versions not stated): gnomAD 0.00001; gnomAD exomes 0.00002 and 0.00003; ExAC 0.00003.
gnomAD v4.1: 40 of 1,613,862 alleles (0.0025%); highest among the groups gnomAD compares: South Asian, 0.0088%; 1 homozygote.

Submission:

Labcorp Genetics (formerly Invitae), Labcorp
Classification: Uncertain significance. Last evaluated: 2022-10-04. Review status: criteria provided, single submitter. Criteria: Invitae Variant Classification Sherloc (09022015). Collection method: clinical testing. Allele origin: germline.
Comment: Algorithms developed to predict the effect of missense changes on protein structure and function output the following: SIFT: "Deleterious"; PolyPhen-2: "Benign"; Align-GVGD: "Class C0". The isoleucine amino acid residue is found in multiple mammalian species, which suggests that this missense change does not adversely affect protein function. In summary, the available evidence is currently insufficient to determine the role of this variant in disease. Therefore, it has been classified as a Variant of Uncertain Significance. ClinVar contains an entry for this variant (Variation ID: 1043679). This variant has not been reported in the literature in individuals affected with AGBL5-related conditions. This variant is present in population databases (rs768584654, gnomAD 0.02%). This sequence change replaces valine, which is neutral and non-polar, with isoleucine, which is neutral and non-polar, at codon 79 of the AGBL5 protein (p.Val79Ile).

NM_021831.6(AGBL5):c.235G>A (p.Val79Ile)

Gene: AGBL5 (AGBL carboxypeptidase 5; plus strand). Cytogenetic location: 2p23.3.
Variant type: single nucleotide variant.
Coding change: c.235G>A on transcript NM_021831.6 (MANE Select); coding-DNA position 235, G replaced by A.
Protein change: p.Val79Ile; replaces valine 79 with isoleucine.
Molecular consequence: missense variant. On other transcripts: non-coding transcript variant (2).
Genome position (GRCh38, 1-based): chr2:27,053,421, G>A. VCF-style: chr2-27053421-G-A. GRCh37 (hg19) VCF-style: chr2-27276289-G-A.
Other names: c.235G>A, p.Val79Ile (NM_001035507.3); short protein forms V79I.
Identifiers: ClinVar variation 1043679 (VCV001043679.7), dbSNP rs768584654, ClinGen allele CA1567592.
Genomic context (GRCh38, chr2:27,053,421, plus strand): 5'-CCTTCCACACGTAATGACCTCTCTCTTACTCTGGTCCTCAGGTCATGGTTCTACTTCAGC[G>A]TCCGGGGAGGAATGCCAGGAAAACTCATCAAGATCAACATTATGAACATGAACAAGCAGA-3'
Protein context (NP_068603.4, residues 69-89): NGNRSWFYFS[Val79Ile]RGGMPGKLIK